The following is an entry in ClinVar:

ClinVar aggregate classification (germline): Uncertain significance (1 of 4 stars; one submission).

Conditions:
Cardiomyopathy (CMYO). Also called: Cardiomyopathies. Identifiers: Orphanet 167848, MedGen C0878544, MONDO:0004994, HP:0001638. Inheritance: Various modes of inheritance.

Submission:

Color Diagnostics, LLC DBA Color Health
Classification: Uncertain significance for Cardiomyopathy. Last evaluated: 2025-09-14. Review status: criteria provided, single submitter. Criteria: ACMG Guidelines, 2015. Collection method: clinical testing. Allele origin: germline.
Comment: This missense variant replaces phenylalanine with leucine at codon 1544 of the RYR2 protein. Computational prediction suggests that this variant may have deleterious impact on protein structure and function. To our knowledge, functional studies have not been reported for this variant. This variant has not been reported in individuals affected with RYR2-related disorders in the literature. This variant has not been identified in the general population by the Genome Aggregation Database (gnomAD). The available evidence is insufficient to determine the role of this variant in disease conclusively. Therefore, this variant is classified as a Variant of Uncertain Significance.

NM_001035.3(RYR2):c.4630T>C (p.Phe1544Leu)

Gene: RYR2 (ryanodine receptor 2; plus strand). Cytogenetic location: 1q43.
Variant type: single nucleotide variant.
Coding change: c.4630T>C on transcript NM_001035.3 (MANE Select); coding-DNA position 4630, T replaced by C.
Protein change: p.Phe1544Leu; replaces phenylalanine 1544 with leucine.
Molecular consequence: missense variant.
Genome position (GRCh38, 1-based): chr1:237,602,058, T>C. VCF-style: chr1-237602058-T-C. GRCh37 (hg19) VCF-style: chr1-237765358-T-C.
Other names: short protein forms F1544L.
Identifiers: ClinVar variation 4756525 (VCV004756525.1).